The following is an entry in ClinVar:

ClinVar aggregate classification (germline): Pathogenic (1 of 4 stars; one submission).

Submission:

Labcorp Genetics (formerly Invitae), Labcorp
Classification: Pathogenic. Last evaluated: 2023-10-17. Review status: criteria provided, single submitter. Criteria: Invitae Variant Classification Sherloc (09022015). Collection method: clinical testing. Allele origin: germline.
Comment: This sequence change creates a premature translational stop signal (p.Trp272Valfs*28) in the EIF2B1 gene. While this is not anticipated to result in nonsense mediated decay, it is expected to disrupt the last 34 amino acid(s) of the EIF2B1 protein. This variant is not present in population databases (gnomAD no frequency). This variant has not been reported in the literature in individuals affected with EIF2B1-related conditions. This variant disrupts a region of the EIF2B1 protein in which other variant(s) (p.Tyr275Cys) have been determined to be pathogenic (PMID: 18263758, 26285592, 32865661, 33334879, 34663487). This suggests that this is a clinically significant region of the protein, and that variants that disrupt it are likely to be disease-causing. For these reasons, this variant has been classified as Pathogenic.

Literature cited by the submitters: PubMed 18263758; PubMed 26285592; PubMed 32865661; PubMed 33334879; PubMed 34663487.

NM_001414.4(EIF2B1):c.812_813insT (p.Trp272fs)

Genes: EIF2B1 (eukaryotic translation initiation factor 2B subunit alpha; minus strand), LOC126861664 (CDK7 strongly-dependent group 2 enhancer GRCh37_chr12:124105924-124107123; plus strand). Cytogenetic location: 12q24.31.
Variant type: Insertion.
Coding change: c.812_813insT on transcript NM_001414.4 (MANE Select); coding-DNA positions 812 to 813, T inserted.
Protein change: p.Trp272fs; shifts the reading frame from tryptophan 272.
Molecular consequence: frameshift variant.
Genome position: GRCh38 VCF-style: chr12-123621861-C-CA. GRCh37 (hg19) VCF-style: chr12-124106408-C-CA.
Other names: short protein forms W272fs.
Identifiers: ClinVar variation 2769348 (VCV002769348.3), dbSNP rs2547826878, ClinGen allele CA2697551567.